The following is an entry in ClinVar:

NM_001035.3(RYR2):c.7342+6G>A

Gene: RYR2 (ryanodine receptor 2; plus strand). Cytogenetic location: 1q43.
Variant type: single nucleotide variant.
Coding change: c.7342+6G>A on transcript NM_001035.3 (MANE Select); 6 bases into the intron after coding-DNA position 7342, G replaced by A.
Molecular consequence: intron variant.
Genome position (GRCh38, 1-based): chr1:237,643,453, G>A. VCF-style: chr1-237643453-G-A. GRCh37 (hg19) VCF-style: chr1-237806753-G-A.
Identifiers: ClinVar variation 1413552 (VCV001413552.4), dbSNP rs2148758542, ClinGen allele CA2573132854.
Genomic context (GRCh38, chr1:237,643,453, plus strand): 5'-GGAGATTTGGTGGGCGTTATCAGCATCGCTTTTCAGATGCCAACAATAGCCAAAGGTAAG[G>A]CCAACTTCAATTTGTCCTAATTCAGTAGGATGTTGGATGACATCATGTTCTAAAGAATGT-3'

ClinVar aggregate classification (germline): Uncertain significance (1 of 4 stars; one submission).

Conditions:
Catecholaminergic polymorphic ventricular tachycardia 1. Also called: RYR2-Related Catecholaminergic Polymorphic Ventricular Tachycardia; VENTRICULAR TACHYCARDIA, STRESS-INDUCED POLYMORPHIC 1; VENTRICULAR TACHYCARDIA, CATECHOLAMINERGIC POLYMORPHIC, 1, WITH OR WITHOUT ATRIAL DYSFUNCTION AND/OR DILATED CARDIOMYOPATHY. Identifiers: Orphanet 3286, MedGen C1631597, MONDO:0011484, OMIM 604772.

gnomAD v4.1: 2 of 1,613,694 alleles (0.00012%); highest among the groups gnomAD compares: Middle Eastern, 0.016%; no homozygotes.

Submission:

Labcorp Genetics (formerly Invitae), Labcorp
Classification: Uncertain significance for Catecholaminergic polymorphic ventricular tachycardia 1. Last evaluated: 2021-08-27. Review status: criteria provided, single submitter. Criteria: Invitae Variant Classification Sherloc (09022015). Collection method: clinical testing. Allele origin: germline.
Comment: This sequence change falls in intron 48 of the RYR2 gene. It does not directly change the encoded amino acid sequence of the RYR2 protein. It affects a nucleotide within the consensus splice site of the intron. This variant is not present in population databases (ExAC no frequency). This variant has not been reported in the literature in individuals with RYR2-related conditions. Nucleotide substitutions within the consensus splice site are a relatively common cause of aberrant splicing (PMID: 17576681, 9536098). Algorithms developed to predict the effect of sequence changes on RNA splicing suggest that this variant is not likely to affect RNA splicing, but this prediction has not been confirmed by published transcriptional studies. In summary, the available evidence is currently insufficient to determine the role of this variant in disease. Therefore, it has been classified as a Variant of Uncertain Significance.

Literature cited by the submitters: PubMed 17576681; PubMed 9536098.